The following is an entry in ClinVar:

ClinVar aggregate classification (germline): Uncertain significance (1 of 4 stars; one submission).

Submission:

GeneDx
Classification: Uncertain significance. Last evaluated: 2023-01-19. Review status: criteria provided, single submitter. Criteria: GeneDx Variant Classification Process June 2021. Collection method: clinical testing. Allele origin: germline. Affected: yes.
Comment: Not observed at significant frequency in large population cohorts (gnomAD); In silico analysis supports that this missense variant does not alter protein structure/function; Has not been previously published as pathogenic or benign to our knowledge

NM_153252.5(BRWD3):c.1875T>A (p.Asn625Lys)

Gene: BRWD3 (bromodomain and WD repeat domain containing 3; minus strand). Cytogenetic location: Xq21.1.
Variant type: single nucleotide variant.
Coding change: c.1875T>A on transcript NM_153252.5 (MANE Select); coding-DNA position 1875, T replaced by A.
Protein change: p.Asn625Lys; replaces asparagine 625 with lysine.
Molecular consequence: missense variant.
Genome position (GRCh38, 1-based): chrX:80,722,563, A>T on the plus strand (T>A on the coding strand, the complement: BRWD3 is on the minus strand). VCF-style: chrX-80722563-A-T. GRCh37 (hg19) VCF-style: chrX-79978062-A-T.
Other names: short protein forms N625K.
Identifiers: ClinVar variation 2573766 (VCV002573766.1), dbSNP rs2520325593, ClinGen allele CA413634159.